The following is an entry in ClinVar:

NM_004369.4(COL6A3):c.6354+5G>A

Gene: COL6A3 (collagen type VI alpha 3 chain; minus strand). Cytogenetic location: 2q37.3.
Variant type: single nucleotide variant.
Coding change: c.6354+5G>A on transcript NM_004369.4 (MANE Select); 5 bases into the intron after coding-DNA position 6354, G replaced by A.
Molecular consequence: intron variant.
Genome position (GRCh38, 1-based): chr2:237,359,201, C>T on the plus strand (G>A on the coding strand, the complement: COL6A3 is on the minus strand). VCF-style: chr2-237359201-C-T. GRCh37 (hg19) VCF-style: chr2-238267844-C-T.
Other names: c.4533+5G>A (NM_057166.5); c.5736+5G>A (NM_057167.4); c.6354+5G>A (NM_004369.3).
Identifiers: ClinVar variation 1993714 (VCV001993714.7), dbSNP rs1409171296, ClinGen allele CA540463672.

ClinVar aggregate classification (germline): Uncertain significance. Review status: criteria provided, multiple submitters, no conflicts (2 of 4 stars). 2 submissions from 2 submitters: Uncertain significance (2). Last evaluated 2022-12-02.

Conditions:
Bethlem myopathy 1A. Also called: MYOPATHY, BENIGN CONGENITAL, WITH CONTRACTURES; Bethlem myopathy 1; Bethlem Muscular Dystrophy. Identifiers: Orphanet 610, MedGen CN029274, MONDO:0024530, OMIM 158810.

Submissions (2):

Labcorp Genetics (formerly Invitae), Labcorp
Classification: Uncertain significance for Bethlem myopathy 1A. Last evaluated: 2022-12-02. Review status: criteria provided, single submitter. Criteria: Invitae Variant Classification Sherloc (09022015). Collection method: clinical testing. Allele origin: germline.
Comment: In summary, the available evidence is currently insufficient to determine the role of this variant in disease. Therefore, it has been classified as a Variant of Uncertain Significance. Variants that disrupt the consensus splice site are a relatively common cause of aberrant splicing (PMID: 17576681, 9536098). Algorithms developed to predict the effect of sequence changes on RNA splicing suggest that this variant may disrupt the consensus splice site. This variant has not been reported in the literature in individuals affected with COL6A3-related conditions. This variant is not present in population databases (gnomAD no frequency). This sequence change falls in intron 19 of the COL6A3 gene. It does not directly change the encoded amino acid sequence of the COL6A3 protein. It affects a nucleotide within the consensus splice site.

Revvity Omics, Revvity
Classification: Uncertain significance. Last evaluated: 2019-07-18. Review status: criteria provided, single submitter. Criteria: ACMG Guidelines, 2015. Collection method: clinical testing. Allele origin: germline.

Literature cited by the submitters: PubMed 17576681 (cited by Labcorp Genetics (formerly Invitae), Labcorp); PubMed 9536098 (cited by Labcorp Genetics (formerly Invitae), Labcorp).